The following is an entry in ClinVar:

NM_152743.4(BRAT1):c.428A>G (p.His143Arg)

Gene: BRAT1 (BRCA1 associated ATM activator 1; minus strand). Cytogenetic location: 7p22.3.
Variant type: single nucleotide variant.
Coding change: c.428A>G on transcript NM_152743.4 (MANE Select); coding-DNA position 428, A replaced by G.
Protein change: p.His143Arg; replaces histidine 143 with arginine.
Molecular consequence: missense variant. On other transcripts: non-coding transcript variant (1), intron variant (1).
Genome position (GRCh38, 1-based): chr7:2,544,911, T>C on the plus strand (A>G on the coding strand, the complement: BRAT1 is on the minus strand). VCF-style: chr7-2544911-T-C. GRCh37 (hg19) VCF-style: chr7-2584545-T-C.
Other names: c.428A>G, p.His143Arg (NM_001350626.2); c.-95-949A>G (NM_001350627.2); short protein forms H143R.
Identifiers: ClinVar variation 3393639 (VCV003393639.1).

ClinVar aggregate classification (germline): Uncertain significance (1 of 4 stars; one submission).

gnomAD v4.1: 2 of 1,549,922 alleles (0.00013%); highest among the groups gnomAD compares: African/African-American, 0.0014%; no homozygotes.

Submission:

GeneDx
Classification: Uncertain significance. Last evaluated: 2024-06-30. Review status: criteria provided, single submitter. Criteria: GeneDx Variant Classification Process June 2021. Collection method: clinical testing. Allele origin: germline. Affected: yes.
Comment: Not observed at significant frequency in large population cohorts (gnomAD); In silico analysis indicates that this missense variant does not alter protein structure/function; Has not been previously published as pathogenic or benign to our knowledge